The following is an entry in ClinVar:

ClinVar aggregate classification (germline): Uncertain significance (1 of 4 stars; one submission).

Submission:

Ambry Genetics
Classification: Uncertain significance. Last evaluated: 2025-09-28. Review status: criteria provided, single submitter. Criteria: Ambry Variant Classification Scheme 2023. Collection method: clinical testing. Allele origin: germline.
Comment: The p.S443P variant (also known as c.1327T>C), located in coding exon 14 of the SRP72 gene, results from a T to C substitution at nucleotide position 1327. The serine at codon 443 is replaced by proline, an amino acid with similar properties. This amino acid position is conserved. In addition, the in silico prediction for this alteration is inconclusive. Based on the available evidence, the clinical significance of this variant remains unclear.

NM_006947.4(SRP72):c.1327T>C (p.Ser443Pro)

Gene: SRP72 (signal recognition particle 72; plus strand). Cytogenetic location: 4q12.
Variant type: single nucleotide variant.
Coding change: c.1327T>C on transcript NM_006947.4 (MANE Select); coding-DNA position 1327, T replaced by C.
Protein change: p.Ser443Pro; replaces serine 443 with proline.
Molecular consequence: missense variant. On other transcripts: non-coding transcript variant (1).
Genome position (GRCh38, 1-based): chr4:56,490,339, T>C. VCF-style: chr4-56490339-T-C. GRCh37 (hg19) VCF-style: chr4-57356505-T-C.
Other names: c.1144T>C, p.Ser382Pro (NM_001267722.2); short protein forms S382P, S443P.
Identifiers: ClinVar variation 4589582 (VCV004589582.1).
Genomic context (GRCh38, chr4:56,490,339, plus strand): 5'-CACTTGCTAGATATTTAACTTGAAACTTTTTTTTTCTTTTTATTGAAACTGTAGCCAAAA[T>C]CTCCTGCTCATTTGTCCTTGATAAGAGAAGCTGCAAACTTCAAACTCAAATATGGGCGGA-3'
Protein context (NP_008878.3, residues 433-453): IQWYQNHQPK[Ser443Pro]PAHLSLIREA